The following is an entry in ClinVar:

NM_001365999.1(SZT2):c.379C>A (p.Arg127Ser)

Gene: SZT2 (SZT2 subunit of KICSTOR complex; plus strand). Cytogenetic location: 1p34.2.
Variant type: single nucleotide variant.
Coding change: c.379C>A on transcript NM_001365999.1 (MANE Select); coding-DNA position 379, C replaced by A.
Protein change: p.Arg127Ser; replaces arginine 127 with serine.
Molecular consequence: missense variant.
Genome position (GRCh38, 1-based): chr1:43,404,431, C>A. VCF-style: chr1-43404431-C-A. GRCh37 (hg19) VCF-style: chr1-43870102-C-A.
Other names: c.379C>A, p.Arg127Ser (NM_015284.4); short protein forms R127S.
Identifiers: ClinVar variation 4072597 (VCV004072597.1).

ClinVar aggregate classification (germline): Uncertain significance (1 of 4 stars; one submission).

gnomAD v4.1: 1 of 1,613,914 alleles (0.000062%); highest among the groups gnomAD compares: African/African-American, 0.0013%; no homozygotes.

Submission:

GeneDx
Classification: Uncertain significance. Last evaluated: 2025-02-04. Review status: criteria provided, single submitter. Criteria: GeneDx Variant Classification Process June 2021. Collection method: clinical testing. Allele origin: germline. Affected: yes.
Comment: Not observed at significant frequency in large population cohorts (gnomAD); In silico analysis supports that this missense variant has a deleterious effect on protein structure/function; Has not been previously published as pathogenic or benign to our knowledge; In silico analysis suggests this variant may impact gene splicing. In the absence of RNA/functional studies, the actual effect of this sequence change is unknown.